The following is an entry in ClinVar:

ClinVar aggregate classification (germline): Uncertain significance (1 of 4 stars; one submission).

Submission:

Labcorp Genetics (formerly Invitae), Labcorp
Classification: Uncertain significance. Last evaluated: 2024-10-22. Review status: criteria provided, single submitter. Criteria: Invitae Variant Classification Sherloc (09022015). Collection method: clinical testing. Allele origin: germline.
Comment: This sequence change replaces serine, which is neutral and polar, with phenylalanine, which is neutral and non-polar, at codon 351 of the BMP2 protein (p.Ser351Phe). This variant is not present in population databases (gnomAD no frequency). This variant has not been reported in the literature in individuals affected with BMP2-related conditions. An algorithm developed to predict the effect of missense changes on protein structure and function (PolyPhen-2) suggests that this variant is likely to be disruptive. In summary, the available evidence is currently insufficient to determine the role of this variant in disease. Therefore, it has been classified as a Variant of Uncertain Significance.

NM_001200.4(BMP2):c.1052C>T (p.Ser351Phe)

Gene: BMP2 (bone morphogenetic protein 2; plus strand). Cytogenetic location: 20p12.3.
Variant type: single nucleotide variant.
Coding change: c.1052C>T on transcript NM_001200.4 (MANE Select); coding-DNA position 1052, C replaced by T.
Protein change: p.Ser351Phe; replaces serine 351 with phenylalanine.
Molecular consequence: missense variant.
Genome position (GRCh38, 1-based): chr20:6,778,950, C>T. VCF-style: chr20-6778950-C-T. GRCh37 (hg19) VCF-style: chr20-6759597-C-T.
Other names: short protein forms S351F.
Identifiers: ClinVar variation 3723540 (VCV003723540.2).